The following is an entry in ClinVar:

ClinVar aggregate classification (germline): Benign (1 of 4 stars; one submission).

Conditions:
Maple syrup urine disease (MSUD). Identifiers: Orphanet 511, MedGen C0024776, MeSH D008375, MONDO:0009563. Disease mechanism: loss of function.

Allele frequency attached by ClinVar (database versions not stated): 1000 Genomes Project 0.71526; gnomAD 0.77640 and 0.78159; TOPMed 0.77912.

Submission:

Illumina Laboratory Services, Illumina
Classification: Benign for Maple syrup urine disease type 1A. Last evaluated: 2018-01-13. Review status: criteria provided, single submitter. Criteria: ICSL Variant Classification Criteria 13 December 2019. Collection method: clinical testing. Allele origin: germline.
Comment: This variant was observed in the ICSL laboratory as part of a predisposition screen in an ostensibly healthy population. It had not been previously curated by ICSL or reported in the Human Gene Mutation Database (HGMD: prior to June 1st, 2018), and was therefore a candidate for classification through an automated scoring system. Utilizing variant allele frequency, disease prevalence and penetrance estimates, and inheritance mode, an automated score was calculated to assess if this variant is too frequent to cause the disease. Based on the score and internal cut-off values, a variant classified as benign is not then subjected to further curation. The score for this variant resulted in a classification of benign for this disease.

NM_183050.4(BCKDHB):c.*1241A>G

Gene: BCKDHB (branched chain keto acid dehydrogenase E1 subunit beta; plus strand). Cytogenetic location: 6q14.1.
Variant type: single nucleotide variant.
Coding change: c.*1241A>G on transcript NM_183050.4 (MANE Select); 1241 bases downstream of the stop codon, A replaced by G.
Molecular consequence: 3 prime UTR variant. On other transcripts: non-coding transcript variant (1), intron variant (1).
Genome position (GRCh38, 1-based): chr6:80,345,045, A>G. VCF-style: chr6-80345045-A-G. GRCh37 (hg19) VCF-style: chr6-81054762-A-G.
Other names: c.*1241A>G (NM_001318975.1); c.*9-930A>G (NM_000056.5).
Identifiers: ClinVar variation 358202 (VCV000358202.5), dbSNP rs1042368, ClinGen allele CA10622802.
Genomic context (GRCh38, chr6:80,345,045, plus strand): 5'-TGAAAACAAACAAACAAACCCTAAAACTCAGCACCACTACCATTTCCAGAAGCTTTTTTA[A>G]CAAGTGAATATTTTTTACATAATGGATAATAAATGGTATTTATTCATCATGATTTTCTAA-3'